The following is an entry in ClinVar:

NM_004260.4(RECQL4):c.1885C>T (p.Arg629Trp)

Gene: RECQL4 (RecQ like helicase 4; minus strand). Cytogenetic location: 8q24.3.
Variant type: single nucleotide variant.
Coding change: c.1885C>T on transcript NM_004260.4 (MANE Select); coding-DNA position 1885, C replaced by T.
Protein change: p.Arg629Trp; replaces arginine 629 with tryptophan.
Molecular consequence: missense variant.
Genome position (GRCh38, 1-based): chr8:144,514,101, G>A on the plus strand (C>T on the coding strand, the complement: RECQL4 is on the minus strand). VCF-style: chr8-144514101-G-A. GRCh37 (hg19) VCF-style: chr8-145739485-G-A.
Other names: short protein forms R629W.
Identifiers: ClinVar variation 450513 (VCV000450513.8), dbSNP rs772074149, ClinGen allele CA4948590.

ClinVar aggregate classification (germline): Uncertain significance. Review status: criteria provided, multiple submitters, no conflicts (2 of 4 stars). 3 submissions from 3 submitters: Uncertain significance (3). Last evaluated 2024-06-17.

Conditions:
Rapadilino syndrome. Identifiers: Orphanet 3021, MedGen C1849453, MONDO:0009955, OMIM 266280.
Rothmund-Thomson syndrome type 2 (RTS2). Identifiers: Orphanet 221016, MedGen C5203410, MONDO:0016369, OMIM 268400.
Baller-Gerold syndrome (BGS). Also called: CRANIOSYNOSTOSIS WITH RADIAL DEFECTS. Identifiers: Orphanet 1225, MedGen C0265308, MONDO:0009039, OMIM 218600.

Allele frequency attached by ClinVar (database versions not stated): gnomAD 0.00001; gnomAD exomes 0.00002 and 0.00006; TOPMed 0.00002; ExAC 0.00007.

Submissions (3):

Labcorp Genetics (formerly Invitae), Labcorp
Classification: Uncertain significance for Baller-Gerold syndrome. Last evaluated: 2024-06-17. Review status: criteria provided, single submitter. Criteria: Invitae Variant Classification Sherloc (09022015). Collection method: clinical testing. Allele origin: germline.
Comment: This sequence change replaces arginine, which is basic and polar, with tryptophan, which is neutral and slightly polar, at codon 629 of the RECQL4 protein (p.Arg629Trp). This variant is present in population databases (rs772074149, gnomAD 0.04%). This missense change has been observed in individual(s) with an unspecified neurological disease (PMID: 33144682). In at least one individual the data is consistent with being in trans (on the opposite chromosome) from a pathogenic variant. ClinVar contains an entry for this variant (Variation ID: 450513). Advanced modeling of protein sequence and biophysical properties (such as structural, functional, and spatial information, amino acid conservation, physicochemical variation, residue mobility, and thermodynamic stability) performed at Invitae indicates that this missense variant is expected to disrupt RECQL4 protein function with a positive predictive value of 80%. In summary, the available evidence is currently insufficient to determine the role of this variant in disease. Therefore, it has been classified as a Variant of Uncertain Significance.

Fulgent Genetics
Classification: Uncertain significance for Baller-Gerold syndrome; Rapadilino syndrome; Rothmund-Thomson syndrome type 2. Last evaluated: 2022-04-26. Review status: criteria provided, single submitter. Criteria: ACMG Guidelines, 2015. Collection method: clinical testing. Allele origin: unknown.

GeneDx
Classification: Uncertain significance. Last evaluated: 2017-07-25. Review status: criteria provided, single submitter. Criteria: GeneDx Variant Classification (06012015). Collection method: clinical testing. Allele origin: germline. Affected: yes.
Comment: The R629W variant in the RECQL4 gene has not been reported previously as a pathogenic variant, nor as a benign variant, to our knowledge. The R629W variant is not observed at a significant frequency in large population cohorts (Lek et al., 2016; 1000 Genomes Consortium et al., 2015; Exome Variant Server). The R629W variant is a non-conservative amino acid substitution, which is likely to impact secondary protein structure as these residues differ in polarity, charge, size and/or other properties. This substitution occurs at a position that is conserved across species. In silico analysis predicts this variant is probably damaging to the protein structure/function. We interpret R629W as a variant of uncertain significance.

Literature cited by the submitters: PubMed 33144682 (cited by Labcorp Genetics (formerly Invitae), Labcorp).